The following is an entry in ClinVar:

ClinVar aggregate classification (germline): Uncertain significance. Review status: criteria provided, multiple submitters, no conflicts (2 of 4 stars). 2 submissions from 2 submitters: Uncertain significance (2). Last evaluated 2023-04-19.

Conditions:
Familial hypocalciuric hypercalcemia (FHH). Also called: Familial benign hypercalcemia. Identifiers: Orphanet 405, MedGen C1809471, MONDO:0018458.
Autosomal dominant hypocalcemia 1 (HYPOC1). Also called: HYPOCALCEMIA, FAMILIAL. Identifiers: MedGen C3715128, MONDO:0011013, OMIM 601198.

Submissions (2):

Labcorp Genetics (formerly Invitae), Labcorp
Classification: Uncertain significance for Familial hypocalciuric hypercalcemia; Autosomal dominant hypocalcemia 1. Last evaluated: 2023-04-19. Review status: criteria provided, single submitter. Criteria: Invitae Variant Classification Sherloc (09022015). Collection method: clinical testing. Allele origin: germline.
Comment: ClinVar contains an entry for this variant (Variation ID: 2094095). In summary, the available evidence is currently insufficient to determine the role of this variant in disease. Therefore, it has been classified as a Variant of Uncertain Significance. An algorithm developed to predict the effect of missense changes on protein structure and function (PolyPhen-2) suggests that this variant is likely to be disruptive. This variant has not been reported in the literature in individuals affected with CASR-related conditions. This variant is not present in population databases (gnomAD no frequency). This sequence change replaces proline, which is neutral and non-polar, with leucine, which is neutral and non-polar, at codon 672 of the CASR protein (p.Pro672Leu).

Mayo Clinic Laboratories, Mayo Clinic
Classification: Uncertain significance. Last evaluated: 2022-11-16. Review status: criteria provided, single submitter. Criteria: ACMG Guidelines, 2015. Collection method: clinical testing. Allele origin: germline. Observed: 1 variant allele.
Comment: PP2, PM2_supporting

NM_000388.4(CASR):c.2015C>T (p.Pro672Leu)

Gene: CASR (calcium sensing receptor; plus strand). Cytogenetic location: 3q21.1.
Variant type: single nucleotide variant.
Coding change: c.2015C>T on transcript NM_000388.4 (MANE Select); coding-DNA position 2015, C replaced by T.
Protein change: p.Pro672Leu; replaces proline 672 with leucine.
Molecular consequence: missense variant.
Genome position (GRCh38, 1-based): chr3:122,283,969, C>T. VCF-style: chr3-122283969-C-T. GRCh37 (hg19) VCF-style: chr3-122002816-C-T.
Other names: p.Pro672Leu; c.2045C>T, p.Pro682Leu (NM_001178065.2); short protein forms P672L, P682L.
Identifiers: ClinVar variation 2094095 (VCV002094095.5), dbSNP rs2107649789, ClinGen allele CA354158307.